The following is an entry in ClinVar:

NM_206933.4(USH2A):c.13511A>C (p.Glu4504Ala)

Gene: USH2A (usherin; minus strand). Cytogenetic location: 1q41.
Variant type: single nucleotide variant.
Coding change: c.13511A>C on transcript NM_206933.4 (MANE Select); coding-DNA position 13511, A replaced by C.
Protein change: p.Glu4504Ala; replaces glutamic acid 4504 with alanine.
Molecular consequence: missense variant.
Genome position (GRCh38, 1-based): chr1:215,674,400, T>G on the plus strand (A>C on the coding strand, the complement: USH2A is on the minus strand). VCF-style: chr1-215674400-T-G. GRCh37 (hg19) VCF-style: chr1-215847742-T-G.
Other names: short protein forms E4504A.
Identifiers: ClinVar variation 1713689 (VCV001713689.5), dbSNP rs1208111569, ClinGen allele CA344844950.
Genomic context (GRCh38, chr1:215,674,400, plus strand): 5'-TTGACAAGAGGACTCAAAATACCCCCTTGGCTGTTGCTGGCAGTTACTGTGTAGCTATAC[T>G]CCACACCTGGGGTGAGAGTAAAATCACGATAGCGTGTTTCCAAGCCTGTATATACAATGG-3'
Protein context (NP_996816.3, residues 4494-4514): YRDFTLTPGV[Glu4504Ala]YSYTVTASNS

ClinVar aggregate classification (germline): Uncertain significance (1 of 4 stars; one submission).

Allele frequency attached by ClinVar (database versions not stated): TOPMed below 0.00001.

Submission:

Labcorp Genetics (formerly Invitae), Labcorp
Classification: Uncertain significance. Last evaluated: 2022-07-24. Review status: criteria provided, single submitter. Criteria: Invitae Variant Classification Sherloc (09022015). Collection method: clinical testing. Allele origin: germline.
Comment: In summary, the available evidence is currently insufficient to determine the role of this variant in disease. Therefore, it has been classified as a Variant of Uncertain Significance. Algorithms developed to predict the effect of missense changes on protein structure and function (SIFT, PolyPhen-2, Align-GVGD) all suggest that this variant is likely to be disruptive. This variant has not been reported in the literature in individuals affected with USH2A-related conditions. This variant is not present in population databases (gnomAD no frequency). This sequence change replaces glutamic acid, which is acidic and polar, with alanine, which is neutral and non-polar, at codon 4504 of the USH2A protein (p.Glu4504Ala).